The following is an entry in ClinVar:

NM_207361.6(FREM2):c.1701G>A (p.Thr567=)

Gene: FREM2 (FRAS1 related extracellular matrix 2; plus strand). Cytogenetic location: 13q13.3.
Variant type: single nucleotide variant.
Coding change: c.1701G>A on transcript NM_207361.6 (MANE Select); coding-DNA position 1701, G replaced by A.
Protein change: p.Thr567=; no amino-acid change (threonine 567 retained).
Molecular consequence: synonymous variant.
Genome position (GRCh38, 1-based): chr13:38,689,045, G>A. VCF-style: chr13-38689045-G-A. GRCh37 (hg19) VCF-style: chr13-39263182-G-A.
Identifiers: ClinVar variation 767624 (VCV000767624.16), dbSNP rs115263122, ClinGen allele CA6954465.

ClinVar aggregate classification (germline): Likely benign. Review status: criteria provided, multiple submitters, no conflicts (2 of 4 stars). 3 submissions from 3 submitters: Likely benign (3). Last evaluated 2025-12-17.

Conditions:
Fraser syndrome 2 (FRASRS2). Identifiers: MedGen C4540036, MONDO:0054738, OMIM 617666.
Isolated cryptophthalmia. Also called: ANKYLOBLEPHARON, SIMPLE; Cryptophthalmos, unilateral or bilateral, isolated. Identifiers: Orphanet 91396, MedGen C1852453, MONDO:0007410, OMIM 123570.

Allele frequency attached by ClinVar (database versions not stated): gnomAD exomes 0.00003 and 0.00006; ESP Exome Variant Server 0.00015; TOPMed 0.00018; gnomAD 0.00021; 1000 Genomes Project 0.00060; 1000 Genomes Project 30x 0.00062.

Submissions (3):

Labcorp Genetics (formerly Invitae), Labcorp
Classification: Likely benign. Last evaluated: 2025-12-17. Review status: criteria provided, single submitter. Criteria: Invitae Variant Classification Sherloc (09022015). Collection method: clinical testing. Allele origin: germline.

CeGaT Center for Human Genetics Tuebingen
Classification: Likely benign. Last evaluated: 2025-09-01. Review status: criteria provided, single submitter. Criteria: CeGaT Center For Human Genetics Tuebingen Variant Classification Criteria Version 2. Collection method: clinical testing. Allele origin: germline. Affected: yes. Observed: 1 variant allele.
Comment: FREM2: BP4, BP7

Fulgent Genetics
Classification: Likely benign for Isolated cryptophthalmia; Fraser syndrome 2. Last evaluated: 2024-02-09. Review status: criteria provided, single submitter. Criteria: ACMG Guidelines, 2015. Collection method: clinical testing. Allele origin: germline.